The following is an entry in ClinVar:

ClinVar aggregate classification (germline): Uncertain significance (1 of 4 stars; one submission).

Submission:

Labcorp Genetics (formerly Invitae), Labcorp
Classification: Uncertain significance. Last evaluated: 2026-01-05. Review status: criteria provided, single submitter. Criteria: Invitae Variant Classification Sherloc (09022015). Collection method: clinical testing. Allele origin: germline.
Comment: This sequence change replaces leucine, which is neutral and non-polar, with valine, which is neutral and non-polar, at codon 1886 of the PLXNA2 protein (p.Leu1886Val). This variant is not present in population databases (gnomAD no frequency). This variant has not been reported in the literature in individuals affected with PLXNA2-related conditions. Invitae Evidence Modeling of protein sequence and biophysical properties (such as structural, functional, and spatial information, amino acid conservation, physicochemical variation, residue mobility, and thermodynamic stability) indicates that this missense variant is not expected to disrupt PLXNA2 protein function with a negative predictive value of 80%. In summary, the available evidence is currently insufficient to determine the role of this variant in disease. Therefore, it has been classified as a Variant of Uncertain Significance.

NM_025179.4(PLXNA2):c.5656C>G (p.Leu1886Val)

Gene: PLXNA2 (plexin A2; minus strand). Cytogenetic location: 1q32.2.
Variant type: single nucleotide variant.
Coding change: c.5656C>G on transcript NM_025179.4 (MANE Select); coding-DNA position 5656, C replaced by G.
Protein change: p.Leu1886Val; replaces leucine 1886 with valine.
Molecular consequence: missense variant.
Genome position (GRCh38, 1-based): chr1:208,027,272, G>C on the plus strand (C>G on the coding strand, the complement: PLXNA2 is on the minus strand). VCF-style: chr1-208027272-G-C. GRCh37 (hg19) VCF-style: chr1-208200617-G-C.
Other names: short protein forms L1886V.
Identifiers: ClinVar variation 4744061 (VCV004744061.1).